The following is an entry in ClinVar:

NM_014946.4(SPAST):c.1537-8T>G

Gene: SPAST (spastin; plus strand). Cytogenetic location: 2p22.3.
Variant type: single nucleotide variant.
Coding change: c.1537-8T>G on transcript NM_014946.4 (MANE Select); 8 bases into the intron before coding-DNA position 1537, T replaced by G.
Molecular consequence: intron variant.
Genome position (GRCh38, 1-based): chr2:32,143,328, T>G. VCF-style: chr2-32143328-T-G. GRCh37 (hg19) VCF-style: chr2-32368397-T-G.
Other names: c.1441-8T>G (NM_199436.2, NM_001377959.1); c.1534-8T>G (NM_001363823.2); c.1438-8T>G (NM_001363875.2).
Identifiers: ClinVar variation 1177433 (VCV001177433.3), dbSNP rs2148759354, ClinGen allele CA2499215913.

ClinVar aggregate classification (germline): Pathogenic (0 of 4 stars; one submission).

Conditions:
Hereditary spastic paraplegia 4. Also called: Familial spastic paraplegia autosomal dominant 2; Spastic paraplegia 4, autosomal dominant; Spastic Paraplegia 4. Identifiers: Orphanet 100985, MedGen C1866855, MONDO:0008438, OMIM 182601.

Submission:

Istituto Neurologico Mediterraneo, Istituto di Ricovero e Cura a Carattere Scientifico
Classification: Pathogenic for Hereditary spastic paraplegia 4. Last evaluated: 2021-07-07. Review status: no assertion criteria provided. Collection method: clinical testing. Allele origin: somatic. Inheritance: Autosomal dominant inheritance. Affected: yes. Observed: 1 heterozygote.
Comment: The variant has been identified in the affected subjects of two big families. Minigene and in-vivo RNA analysis on lymphocytes identified abnormal splicing causing retention of intron 13. This indicates that the variety is pathogenic.